The following is an entry in ClinVar:

ClinVar aggregate classification (germline): Uncertain significance. Review status: criteria provided, multiple submitters, no conflicts (2 of 4 stars). 2 submissions from 2 submitters: Uncertain significance (2). Last evaluated 2025-07-09.

Conditions:
Cardiac arrhythmia. Also called: Arrhythmia; Cardiac rhythm disease. Identifiers: MedGen C0003811, MONDO:0007263, HP:0011675.

Allele frequency attached by ClinVar (database versions not stated): TOPMed below 0.00001.

Submissions (2):

GeneDx
Classification: Uncertain significance. Last evaluated: 2025-07-09. Review status: criteria provided, single submitter. Criteria: GeneDx Variant Classification Process June 2021. Collection method: clinical testing. Allele origin: germline. Affected: yes.
Comment: Not observed at significant frequency in large population cohorts (gnomAD); In silico analysis supports that this missense variant has a deleterious effect on protein structure/function; Has not been previously published as pathogenic or benign to our knowledge

Color Diagnostics, LLC DBA Color Health
Classification: Uncertain significance for Cardiac arrhythmia. Last evaluated: 2024-03-07. Review status: criteria provided, single submitter. Criteria: ACMG Guidelines, 2015. Collection method: clinical testing. Allele origin: germline.
Comment: This missense variant replaces histidine with tyrosine at codon 396 of the KCNH2 protein. Computational prediction suggests that this variant may have deleterious impact on protein structure and function (internally defined REVEL score threshold >= 0.7, PMID: 27666373). To our knowledge, functional studies have not been reported for this variant. This variant has not been reported in individuals affected with cardiovascular disorders in the literature. This variant has not been identified in the general population by the Genome Aggregation Database (gnomAD). The available evidence is insufficient to determine the role of this variant in disease conclusively. Therefore, this variant is classified as a Variant of Uncertain Significance.

NM_000238.4(KCNH2):c.1186C>T (p.His396Tyr)

Gene: KCNH2 (potassium voltage-gated channel subfamily H member 2; minus strand). Cytogenetic location: 7q36.1.
Variant type: single nucleotide variant.
Coding change: c.1186C>T on transcript NM_000238.4 (MANE Select); coding-DNA position 1186, C replaced by T.
Protein change: p.His396Tyr; replaces histidine 396 with tyrosine.
Molecular consequence: missense variant.
Genome position (GRCh38, 1-based): chr7:150,952,796, G>A on the plus strand (C>T on the coding strand, the complement: KCNH2 is on the minus strand). VCF-style: chr7-150952796-G-A. GRCh37 (hg19) VCF-style: chr7-150649884-G-A.
Other names: c.1186C>T (NM_000238.2); c.166C>T, p.His56Tyr (NM_001204798.2, NM_172057.3); c.898C>T, p.His300Tyr (NM_001406753.1, NM_001406756.1); c.1009C>T, p.His337Tyr (NM_001406755.1); c.886C>T, p.His296Tyr (NM_001406757.1); c.1186C>T, p.His396Tyr (NM_172056.3); short protein forms H396Y, H56Y, H296Y, H337Y, H300Y.
Identifiers: ClinVar variation 1332414 (VCV001332414.7), dbSNP rs866464373, ClinGen allele CA072490.